The following is an entry in ClinVar:

ClinVar aggregate classification (germline): Uncertain significance. Review status: criteria provided, multiple submitters, no conflicts (2 of 4 stars). 2 submissions from 2 submitters: Uncertain significance (2). Last evaluated 2025-06-06.

Conditions:
Inborn genetic diseases. Identifiers: MedGen C0950123, MeSH D030342.

Allele frequency attached by ClinVar (database versions not stated): ExAC 0.00016; 1000 Genomes Project 0.00040; gnomAD exomes 0.00003; ESP Exome Variant Server 0.00016; 1000 Genomes Project 30x 0.00062; gnomAD 0.00020; TOPMed 0.00020.
gnomAD v4.1: 150 of 1,613,890 alleles (0.0093%); highest among the groups gnomAD compares: East Asian, 0.067%; 7 homozygotes.

Submissions (2):

Ambry Genetics
Classification: Uncertain significance for Inborn genetic diseases. Last evaluated: 2025-06-06. Review status: criteria provided, single submitter. Criteria: Ambry Variant Classification Scheme 2023. Collection method: clinical testing. Allele origin: germline.

Labcorp Genetics (formerly Invitae), Labcorp
Classification: Uncertain significance. Last evaluated: 2023-11-15. Review status: criteria provided, single submitter. Criteria: Invitae Variant Classification Sherloc (09022015). Collection method: clinical testing. Allele origin: germline.
Comment: This sequence change replaces isoleucine, which is neutral and non-polar, with valine, which is neutral and non-polar, at codon 2704 of the HERC1 protein (p.Ile2704Val). This variant is present in population databases (rs192917180, gnomAD 0.1%). This variant has not been reported in the literature in individuals affected with HERC1-related conditions. ClinVar contains an entry for this variant (Variation ID: 2052044). An algorithm developed to predict the effect of missense changes on protein structure and function (PolyPhen-2) suggests that this variant¬†is likely to be tolerated. In summary, the available evidence is currently insufficient to determine the role of this variant in disease. Therefore, it has been classified as a Variant of Uncertain Significance.

NM_003922.4(HERC1):c.8110A>G (p.Ile2704Val)

Gene: HERC1 (HECT and RLD domain containing E3 ubiquitin protein ligase family member 1; minus strand). Cytogenetic location: 15q22.31.
Variant type: single nucleotide variant.
Coding change: c.8110A>G on transcript NM_003922.4 (MANE Select); coding-DNA position 8110, A replaced by G.
Protein change: p.Ile2704Val; replaces isoleucine 2704 with valine.
Molecular consequence: missense variant.
Genome position (GRCh38, 1-based): chr15:63,669,634, T>C on the plus strand (A>G on the coding strand, the complement: HERC1 is on the minus strand). VCF-style: chr15-63669634-T-C. GRCh37 (hg19) VCF-style: chr15-63961833-T-C.
Other names: short protein forms I2704V.
Identifiers: ClinVar variation 2052044 (VCV002052044.4), dbSNP rs192917180, ClinGen allele CA7605028.
Genomic context (GRCh38, chr15:63,669,634, plus strand): 5'-GAGAAGTTAAACTTTGCCTCCTTCCTACTTCATCAGAAGGAGAGGTTGGTAACGAAGATA[T>C]TGGAGGAGTCTGTGCCCGACGTGTGGGAAGTACAGTGGTAGTTGGGTAACTAGAGAACAT-3'
Protein context (NP_003913.3, residues 2694-2714): LPTRRAQTPP[Ile2704Val]SSLPTSPSDE